The following is an entry in ClinVar:

NM_000287.4(PEX6):c.2643C>T (p.Arg881=)

Gene: PEX6 (peroxisomal biogenesis factor 6; minus strand). Cytogenetic location: 6p21.1.
Variant type: single nucleotide variant.
Coding change: c.2643C>T on transcript NM_000287.4 (MANE Select); coding-DNA position 2643, C replaced by T.
Protein change: p.Arg881=; no amino-acid change (arginine 881 retained).
Molecular consequence: synonymous variant. On other transcripts: non-coding transcript variant (1).
Genome position (GRCh38, 1-based): chr6:42,965,098, G>A on the plus strand (C>T on the coding strand, the complement: PEX6 is on the minus strand). VCF-style: chr6-42965098-G-A. GRCh37 (hg19) VCF-style: chr6-42932836-G-A.
Other names: c.2379C>T, p.Arg793= (NM_001316313.2).
Identifiers: ClinVar variation 766426 (VCV000766426.14), dbSNP rs150853105, ClinGen allele CA3810952.

ClinVar aggregate classification (germline): Likely benign. Review status: criteria provided, single submitter (1 of 4 stars). 3 submissions from 3 submitters: Likely benign (1). 2 of the submissions do not count toward it. Last evaluated 2026-01-26.

Conditions:
PEX6-related disorder. Also called: PEX6-related disorders; PEX6-related condition.
Peroxisome biogenesis disorder. Identifiers: Orphanet 79189, MedGen C1832200, MONDO:0019234. Disease mechanism: loss of function.
Zellweger spectrum disorders (ZS). Also called: Zellweger Spectrum Disorder (ZSD); Zellweger Spectrum Disorder; Zellweger Spectrum; Zellweger syndrome. Identifiers: Orphanet 912, MedGen C0043459, MONDO:0019609.

Allele frequency attached by ClinVar (database versions not stated): gnomAD 0.00001; ExAC 0.00002; gnomAD exomes 0.00002; TOPMed 0.00004; ESP Exome Variant Server 0.00008; 1000 Genomes Project 30x 0.00016; 1000 Genomes Project 0.00020.

Submissions (3):

Labcorp Genetics (formerly Invitae), Labcorp
Classification: Likely benign for Peroxisome biogenesis disorder. Last evaluated: 2026-01-26. Review status: criteria provided, single submitter. Criteria: Invitae Variant Classification Sherloc (09022015). Collection method: clinical testing. Allele origin: germline.

Natera, Inc.
Classification: Uncertain significance for Zellweger syndrome. Last evaluated: 2020-02-13. Review status: no assertion criteria provided. Collection method: clinical testing. Allele origin: germline. Not counted in ClinVar's aggregate classification.

PreventionGenetics, part of Exact Sciences
Classification: Likely benign for PEX6-related condition. Last evaluated: 2019-05-23. Review status: no assertion criteria provided. Collection method: clinical testing. Allele origin: germline. Not counted in ClinVar's aggregate classification.
Comment: This variant is classified as likely benign based on ACMG/AMP sequence variant interpretation guidelines (Richards et al. 2015 PMID: 25741868, with internal and published modifications).